The following is an entry in ClinVar:

NM_002246.3(KCNK3):c.991C>T (p.Arg331Trp)

Gene: KCNK3 (potassium two pore domain channel subfamily K member 3; plus strand). Cytogenetic location: 2p23.3.
Variant type: single nucleotide variant.
Coding change: c.991C>T on transcript NM_002246.3 (MANE Select); coding-DNA position 991, C replaced by T.
Protein change: p.Arg331Trp; replaces arginine 331 with tryptophan.
Molecular consequence: missense variant.
Genome position (GRCh38, 1-based): chr2:26,728,374, C>T. VCF-style: chr2-26728374-C-T. GRCh37 (hg19) VCF-style: chr2-26951242-C-T.
Other names: c.991C>T (NM_002246.2); short protein forms R331W.
Identifiers: ClinVar variation 1013806 (VCV001013806.10), dbSNP rs776738377, ClinGen allele CA1565584.
Genomic context (GRCh38, chr2:26,728,374, plus strand): 5'-TCGTGCCTGTGGTACAAGAGCCGCGAGAAGCTGCAGTACTCCATCCCCATGATCATCCCG[C>T]GGGACCTCTCCACGTCCGACACGTGCGTGGAGCAGAGCCACTCGTCGCCGGGAGGGGGCG-3'
Protein context (NP_002237.1, residues 321-341): LQYSIPMIIP[Arg331Trp]DLSTSDTCVE

ClinVar aggregate classification (germline): Uncertain significance. Review status: criteria provided, multiple submitters, no conflicts (2 of 4 stars). 3 submissions from 3 submitters: Uncertain significance (3). Last evaluated 2021-09-10.

Conditions:
Inborn genetic diseases. Identifiers: MedGen C0950123, MeSH D030342.
Pulmonary hypertension, primary, 4. Identifiers: Orphanet 422, MedGen C3809198, MONDO:0014136, OMIM 615344.

Allele frequency attached by ClinVar (database versions not stated): ExAC below 0.00001; gnomAD 0.00001; TOPMed 0.00004.

Submissions (3):

Fulgent Genetics
Classification: Uncertain significance for Pulmonary hypertension, primary, 4. Last evaluated: 2021-09-10. Review status: criteria provided, single submitter. Criteria: ACMG Guidelines, 2015. Collection method: clinical testing. Allele origin: unknown.

Ambry Genetics
Classification: Uncertain significance for Inborn genetic diseases. Last evaluated: 2021-08-17. Review status: criteria provided, single submitter. Criteria: Ambry Variant Classification Scheme 2023. Collection method: clinical testing. Allele origin: germline.

Labcorp Genetics (formerly Invitae), Labcorp
Classification: Uncertain significance for Pulmonary hypertension, primary, 4. Last evaluated: 2020-06-26. Review status: criteria provided, single submitter. Criteria: Invitae Variant Classification Sherloc (09022015). Collection method: clinical testing. Allele origin: germline.
Comment: This sequence change replaces arginine with tryptophan at codon 331 of the KCNK3 protein (p.Arg331Trp). The arginine residue is moderately conserved and there is a moderate physicochemical difference between arginine and tryptophan. In summary, the available evidence is currently insufficient to determine the role of this variant in disease. Therefore, it has been classified as a Variant of Uncertain Significance. Algorithms developed to predict the effect of missense changes on protein structure and function are either unavailable or do not agree on the potential impact of this missense change (SIFT: "Deleterious"; PolyPhen-2: "Possibly Damaging"; Align-GVGD: "Class C0"). This variant has not been reported in the literature in individuals with KCNK3-related conditions. The frequency data for this variant in the population databases is considered unreliable, as metrics indicate poor data quality at this position in the ExAC database.